The following is an entry in ClinVar:

ClinVar aggregate classification (germline): Uncertain significance. Review status: criteria provided, multiple submitters, no conflicts (2 of 4 stars). 6 submissions from 6 submitters: Uncertain significance (5). 1 of the submissions does not count toward it. Last evaluated 2025-05-07.

Conditions:
Lysinuric protein intolerance (LPI). Identifiers: Orphanet 470, MedGen C0268647, MONDO:0009109, OMIM 222700.
Inborn genetic diseases. Identifiers: MedGen C0950123, MeSH D030342.

Allele frequency attached by ClinVar (database versions not stated): gnomAD 0.00003; gnomAD exomes 0.00003 and 0.00006; TOPMed 0.00003; ExAC 0.00005.
gnomAD v4.1: 41 of 1,613,612 alleles (0.0025%); highest among the groups gnomAD compares: Non-Finnish European, 0.0033%; no homozygotes.

Submissions (6):

Ambry Genetics
Classification: Uncertain significance for Inborn genetic diseases. Last evaluated: 2025-05-07. Review status: criteria provided, single submitter. Criteria: Ambry Variant Classification Scheme 2023. Collection method: clinical testing. Allele origin: germline.

GeneDx
Classification: Uncertain significance. Last evaluated: 2023-05-10. Review status: criteria provided, single submitter. Criteria: GeneDx Variant Classification Process June 2021. Collection method: clinical testing. Allele origin: germline. Affected: yes.
Comment: Not observed at significant frequency in large population cohorts (gnomAD); In silico analysis supports that this missense variant does not alter protein structure/function; Has not been previously published as pathogenic or benign to our knowledge

Genome-Nilou Lab
Classification: Uncertain significance for Lysinuric protein intolerance. Last evaluated: 2021-11-07. Review status: criteria provided, single submitter. Criteria: ACMG Guidelines, 2015. Collection method: clinical testing. Allele origin: germline. Affected: no.

Labcorp Genetics (formerly Invitae), Labcorp
Classification: Uncertain significance for Lysinuric protein intolerance. Last evaluated: 2021-09-07. Review status: criteria provided, single submitter. Criteria: Invitae Variant Classification Sherloc (09022015). Collection method: clinical testing. Allele origin: germline.
Comment: This sequence change replaces aspartic acid with asparagine at codon 439 of the SLC7A7 protein (p.Asp439Asn). The aspartic acid residue is highly conserved and there is a small physicochemical difference between aspartic acid and asparagine. This variant is present in population databases (rs199986641, ExAC 0.009%). This variant has not been reported in the literature in individuals affected with SLC7A7-related conditions. Algorithms developed to predict the effect of missense changes on protein structure and function (SIFT, PolyPhen-2, Align-GVGD) all suggest that this variant is likely to be tolerated. In summary, the available evidence is currently insufficient to determine the role of this variant in disease. Therefore, it has been classified as a Variant of Uncertain Significance.

Illumina Laboratory Services, Illumina
Classification: Uncertain significance for Lysinuric protein intolerance. Last evaluated: 2018-01-13. Review status: criteria provided, single submitter. Criteria: ICSL Variant Classification Criteria 13 December 2019. Collection method: clinical testing. Allele origin: germline.

Natera, Inc.
Classification: Uncertain significance for Lysinuric protein intolerance. Last evaluated: 2020-01-24. Review status: no assertion criteria provided. Collection method: clinical testing. Allele origin: germline. Not counted in ClinVar's aggregate classification.

NM_003982.4(SLC7A7):c.1315G>A (p.Asp439Asn)

Gene: SLC7A7 (solute carrier family 7 member 7; minus strand). Cytogenetic location: 14q11.2.
Variant type: single nucleotide variant.
Coding change: c.1315G>A on transcript NM_003982.4 (MANE Select); coding-DNA position 1315, G replaced by A.
Protein change: p.Asp439Asn; replaces aspartic acid 439 with asparagine.
Molecular consequence: missense variant.
Genome position (GRCh38, 1-based): chr14:22,774,047, C>T on the plus strand (G>A on the coding strand, the complement: SLC7A7 is on the minus strand). VCF-style: chr14-22774047-C-T. GRCh37 (hg19) VCF-style: chr14-23243256-C-T.
Other names: c.1315G>A, p.Asp439Asn (NM_001126105.3, NM_001126106.4); short protein forms D439N.
Identifiers: ClinVar variation 884027 (VCV000884027.14), dbSNP rs199986641, ClinGen allele CA7104423.
Genomic context (GRCh38, chr14:22,774,047, plus strand): 5'-GGAAGTAAAAGGGCAGGCCTGAGAGGGCAATGGCAATGCCGATGAGGGAGTTGATAGTAT[C>T]ACTGTAAAGTGGAACAGCCACCAGGAAGATGGTGCAGAGGCAGAAGACAATCGGGAAGAA-3'
Protein context (NP_003973.3, residues 429-449): IFLVAVPLYS[Asp439Asn]TINSLIGIAI